The following is an entry in ClinVar:

NM_017649.5(CNNM2):c.1A>G (p.Met1Val)

Gene: CNNM2 (cyclin and CBS domain divalent metal cation transport mediator 2; plus strand). Cytogenetic location: 10q24.32.
Variant type: single nucleotide variant.
Coding change: c.1A>G on transcript NM_017649.5 (MANE Select); coding-DNA position 1, A replaced by G.
Protein change: p.Met1Val; changes the start codon (methionine 1).
Molecular consequence: missense variant, initiator codon variant.
Genome position (GRCh38, 1-based): chr10:102,918,481, A>G. VCF-style: chr10-102918481-A-G. GRCh37 (hg19) VCF-style: chr10-104678238-A-G.
Other names: c.1A>G, p.Met1Val (NM_199076.3, NM_199077.3); short protein forms M1V.
Identifiers: ClinVar variation 4878735 (VCV004878735.3).

ClinVar aggregate classification (germline): Uncertain significance. Review status: criteria provided, multiple submitters, no conflicts (2 of 4 stars). 2 submissions from 2 submitters: Uncertain significance (2). Last evaluated 2026-01-23.

Conditions:
Hypomagnesemia, seizures, and impaired intellectual development 1. Also called: Hypomagnesemia, seizures, and intellectual disability 1. Identifiers: Orphanet 34527, MedGen C4225333, MONDO:0020787, OMIM 616418.

Submissions (2):

Dasa
Classification: Uncertain significance for Hypomagnesemia, seizures, and impaired intellectual development 1. Last evaluated: 2026-01-23. Review status: criteria provided, single submitter. Criteria: DASA Assertion Criteria. Collection method: clinical testing. Allele origin: germline.
Comment: NM_017649.5(CNNM2):c.1A>G (p.Met1?) is a start-loss variant predicted to alter the translation initiation codon and impair normal protein translation. This variant is rare in population databases. The currently available literature and clinical evidence are not sufficient to establish a definitive association between this variant and the reported condition. Therefore, this variant is classified as a variant of uncertain significance.

Revvity Omics, Revvity
Classification: Uncertain significance. Last evaluated: 2021-12-24. Review status: criteria provided, single submitter. Criteria: ACMG Guidelines, 2015. Collection method: clinical testing. Allele origin: germline.